The following is an entry in ClinVar:

ClinVar aggregate classification (germline): Likely pathogenic (1 of 4 stars; one submission).

Conditions:
Interstitial lung disease due to ABCA3 deficiency. Also called: PULMONARY ALVEOLAR PROTEINOSIS, CONGENITAL, 3. Identifiers: Orphanet 440402, MedGen C1970456, MONDO:0012582, OMIM 610921.

Submission:

Myriad Genetics, Inc.
Classification: Likely pathogenic for Interstitial lung disease due to ABCA3 deficiency. Last evaluated: 2025-11-03. Review status: criteria provided, single submitter. Criteria: Myriad Autosomal Dominant, Autosomal Recessive and X-Linked Classification Criteria (2023). Collection method: clinical testing. Allele origin: unknown.
Comment: NM_001089.2(ABCA3):c.3484-2A>G is a variant in a canonical splice site classified as likely pathogenic in the context of surfactant deficiency, ABCA3-related. c.3484-2A>G has not been observed in cases with relevant disease. Relevant functional assessments of this variant are not available in the literature. c.3484-2A>G has not been observed in referenced population frequency databases. In summary, NM_001089.2(ABCA3):c.3484-2A>G is a variant in a canonical splice site in a gene where loss of function is a known mechanism of disease and is predicted to disrupt protein function. Please note: this variant was assessed in the context of healthy population screening.

NM_001089.3(ABCA3):c.3484-2A>G

Gene: ABCA3 (ATP binding cassette subfamily A member 3; minus strand). Cytogenetic location: 16p13.3.
Variant type: single nucleotide variant.
Coding change: c.3484-2A>G on transcript NM_001089.3 (MANE Select); the canonical splice acceptor site of the intron before coding-DNA position 3484, A replaced by G.
Molecular consequence: splice acceptor variant.
Genome position (GRCh38, 1-based): chr16:2,285,000, T>C on the plus strand (A>G on the coding strand, the complement: ABCA3 is on the minus strand). VCF-style: chr16-2285000-T-C. GRCh37 (hg19) VCF-style: chr16-2335001-T-C.
Identifiers: ClinVar variation 5004266 (VCV005004266.1).